The following is an entry in ClinVar:

NM_001429.4(EP300):c.6291A>C (p.Pro2097=)

Gene: EP300 (E1A binding protein p300; plus strand). Cytogenetic location: 22q13.2.
Variant type: single nucleotide variant.
Coding change: c.6291A>C on transcript NM_001429.4 (MANE Select); coding-DNA position 6291, A replaced by C.
Protein change: p.Pro2097=; no amino-acid change (proline 2097 retained).
Molecular consequence: synonymous variant.
Genome position (GRCh38, 1-based): chr22:41,178,002, A>C. VCF-style: chr22-41178002-A-C. GRCh37 (hg19) VCF-style: chr22-41574006-A-C.
Other names: c.6213A>C, p.Pro2071= (NM_001362843.2).
Identifiers: ClinVar variation 3344978 (VCV003344978.1).

ClinVar aggregate classification (germline): Likely benign (0 of 4 stars; one submission).

Conditions:
EP300-related disorder. Also called: EP300-related condition; EP300-related disorders.

gnomAD v4.1: 7 of 1,614,158 alleles (0.00043%); highest among the groups gnomAD compares: Non-Finnish European, 0.00059%; no homozygotes.

Submission:

PreventionGenetics, part of Exact Sciences
Classification: Likely benign for EP300-related condition. Last evaluated: 2024-09-03. Review status: no assertion criteria provided. Collection method: clinical testing. Allele origin: germline.
Comment: This variant is classified as likely benign based on ACMG/AMP sequence variant interpretation guidelines (Richards et al. 2015 PMID: 25741868, with internal and published modifications).